The following is an entry in ClinVar:

NM_000321.3(RB1):c.2320A>T (p.Thr774Ser)

Gene: RB1 (RB transcriptional corepressor 1; plus strand). Cytogenetic location: 13q14.2.
Variant type: single nucleotide variant.
Coding change: c.2320A>T on transcript NM_000321.3 (MANE Select); coding-DNA position 2320, A replaced by T.
Protein change: p.Thr774Ser; replaces threonine 774 with serine.
Molecular consequence: missense variant.
Genome position (GRCh38, 1-based): chr13:48,465,106, A>T. VCF-style: chr13-48465106-A-T. GRCh37 (hg19) VCF-style: chr13-49039242-A-T.
Other names: c.2320A>T, p.Thr774Ser (NM_001407165.1); short protein forms T774S.
Identifiers: ClinVar variation 1789570 (VCV001789570.2), dbSNP rs2138345047, ClinGen allele CA388167726.

ClinVar aggregate classification (germline): Uncertain significance (1 of 4 stars; one submission).

Conditions:
Hereditary cancer-predisposing syndrome. Also called: Hereditary Cancer Syndrome; Hereditary neoplastic syndrome; Tumor predisposition; Neoplastic Syndromes, Hereditary. Identifiers: Orphanet 140162, MedGen C0027672, MeSH D009386, MONDO:0015356.

Submission:

Ambry Genetics
Classification: Uncertain significance for Hereditary cancer-predisposing syndrome. Last evaluated: 2022-07-25. Review status: criteria provided, single submitter. Criteria: Ambry Variant Classification Scheme 2023. Collection method: clinical testing. Allele origin: germline.
Comment: The p.T774S variant (also known as c.2320A>T), located in coding exon 22 of the RB1 gene, results from an A to T substitution at nucleotide position 2320. The threonine at codon 774 is replaced by serine, an amino acid with similar properties. This amino acid position is conserved. In addition, this alteration is predicted to be tolerated by in silico analysis. Since supporting evidence is limited at this time, the clinical significance of this alteration remains unclear.